The following is an entry in ClinVar:

ClinVar aggregate classification (germline): Conflicting classifications of pathogenicity. Review status: criteria provided, conflicting classifications (1 of 4 stars). 3 submissions from 3 submitters: Uncertain significance (1); Likely benign (2). Last evaluated 2026-04-28.

Conditions:
Juvenile polyposis syndrome (JPS). Identifiers: Orphanet 2929, MedGen C0345893, MONDO:0017380, OMIM 174900.
Hereditary cancer-predisposing syndrome. Also called: Tumor predisposition; Hereditary Cancer Syndrome; Neoplastic Syndromes, Hereditary; Hereditary neoplastic syndrome. Identifiers: Orphanet 140162, MedGen C0027672, MeSH D009386, MONDO:0015356.
Familial thoracic aortic aneurysm and aortic dissection (TAAD). Also called: Thoracic aortic aneurysms and dissections. Identifiers: Orphanet 91387, MedGen C4707243, MONDO:0019625.

Submissions (3):

Ambry Genetics
Classification: Uncertain significance for Hereditary cancer-predisposing syndrome; Familial thoracic aortic aneurysm and aortic dissection. Last evaluated: 2026-04-28. Review status: criteria provided, single submitter. Criteria: Ambry Variant Classification Scheme 2023. Collection method: clinical testing. Allele origin: germline.
Comment: The c.432A>C variant (also known as p.S144S), located in coding exon 3 of the SMAD4 gene, results from an A to C substitution at nucleotide position 432. This nucleotide substitution does not change the amino acid at codon 144. This nucleotide position is well conserved in available vertebrate species. In silico splice site analysis for this alteration is inconclusive. Based on the available evidence, the clinical significance of this variant remains unclear.

Labcorp Genetics (formerly Invitae), Labcorp
Classification: Likely benign for Juvenile polyposis syndrome. Last evaluated: 2024-04-29. Review status: criteria provided, single submitter. Criteria: Invitae Variant Classification Sherloc (09022015). Collection method: clinical testing. Allele origin: germline.

Color Diagnostics, LLC DBA Color Health
Classification: Likely benign for Hereditary cancer-predisposing syndrome. Last evaluated: 2017-12-07. Review status: criteria provided, single submitter. Criteria: ACMG Guidelines, 2015. Collection method: clinical testing. Allele origin: germline.

NM_005359.6(SMAD4):c.432A>C (p.Ser144=)

Gene: SMAD4 (SMAD family member 4; plus strand). Cytogenetic location: 18q21.2.
Variant type: single nucleotide variant.
Coding change: c.432A>C on transcript NM_005359.6 (MANE Select); coding-DNA position 432, A replaced by C.
Protein change: p.Ser144=; no amino-acid change (serine 144 retained).
Molecular consequence: synonymous variant.
Genome position (GRCh38, 1-based): chr18:51,049,302, A>C. VCF-style: chr18-51049302-A-C. GRCh37 (hg19) VCF-style: chr18-48575672-A-C.
Identifiers: ClinVar variation 630997 (VCV000630997.12), dbSNP rs1568203600, ClinGen allele CA503873645.